The following is an entry in ClinVar:

NM_000051.4(ATM):c.2466+1552G>A

Gene: ATM (ATM serine/threonine kinase; plus strand). Cytogenetic location: 11q22.3.
Variant type: single nucleotide variant.
Coding change: c.2466+1552G>A on transcript NM_000051.4 (MANE Select); 1552 bases into the intron after coding-DNA position 2466, G replaced by A.
Molecular consequence: intron variant.
Genome position (GRCh38, 1-based): chr11:108,260,627, G>A. VCF-style: chr11-108260627-G-A. GRCh37 (hg19) VCF-style: chr11-108131354-G-A.
Other names: c.2466+1552G>A (NM_001351834.2).
Identifiers: ClinVar variation 4758100 (VCV004758100.2).
Genomic context (GRCh38, chr11:108,260,627, plus strand): 5'-ACACCCTCTTTGGGTAACACTTTAGGTGTTACAAAACTTCTTAATATAAGAAATAATTTT[G>A]AGGGAGGAGCCAAGATGGCCGAATAGGAACAGCTCCGGTCTACAGCTCCCAGCGTGAACG-3'

ClinVar aggregate classification (germline): Uncertain significance (1 of 4 stars; one submission).

Conditions:
Hereditary cancer-predisposing syndrome. Also called: Hereditary Cancer Syndrome; Hereditary neoplastic syndrome; Tumor predisposition; Neoplastic Syndromes, Hereditary. Identifiers: Orphanet 140162, MedGen C0027672, MeSH D009386, MONDO:0015356.
ATM-related cancer predisposition. Also called: ATM-related cancer susceptibility. Identifiers: MedGen CN377759, MONDO:0700270.

Submission:

Color Diagnostics, LLC DBA Color Health
Classification: Uncertain significance for Hereditary cancer-predisposing syndrome. Last evaluated: 2025-10-01. Review status: criteria provided, single submitter. Criteria: ACMG Guidelines, 2015. Collection method: clinical testing. Allele origin: germline.
Comment: This variant causes a G to A nucleotide substitution at the +1552 position of intron 16 of the ATM gene. Splice site prediction tools predict that this variant may have a significant impact on RNA splicing. To our knowledge, RNA studies have not been reported for this variant. This variant has not been reported in individuals affected with ATM-related disorders in the literature. This variant has not been identified in the general population by the Genome Aggregation Database (gnomAD). The available evidence is insufficient to determine the role of this variant in disease conclusively. Therefore, this variant is classified as a Variant of Uncertain Significance.